The following is an entry in ClinVar:

NM_000553.6(WRN):c.4148C>A (p.Ser1383Ter)

Gene: WRN (WRN RecQ like helicase; plus strand). Cytogenetic location: 8p12.
Variant type: single nucleotide variant.
Coding change: c.4148C>A on transcript NM_000553.6 (MANE Select); coding-DNA position 4148, C replaced by A.
Protein change: p.Ser1383Ter; replaces serine 1383 with a stop codon.
Molecular consequence: nonsense.
Genome position (GRCh38, 1-based): chr8:31,167,187, C>A. VCF-style: chr8-31167187-C-A. GRCh37 (hg19) VCF-style: chr8-31024703-C-A.
Other names: short protein forms S1383*.
Identifiers: ClinVar variation 1474603 (VCV001474603.3), dbSNP rs1060500080, ClinGen allele CA370909883.

ClinVar aggregate classification (germline): Uncertain significance (1 of 4 stars; one submission).

Conditions:
Werner syndrome (WRN). Identifiers: Orphanet 902, MedGen C0043119, MONDO:0010196, OMIM 277700.

Submission:

Labcorp Genetics (formerly Invitae), Labcorp
Classification: Uncertain significance for Werner syndrome. Last evaluated: 2021-12-15. Review status: criteria provided, single submitter. Criteria: Invitae Variant Classification Sherloc (09022015). Collection method: clinical testing. Allele origin: germline.
Comment: This sequence change creates a premature translational stop signal (p.Ser1383*) in the WRN gene. While this is not anticipated to result in nonsense mediated decay, it is expected to disrupt the last 50 amino acid(s) of the WRN protein. This variant is not present in population databases (gnomAD no frequency). This variant has not been reported in the literature in individuals affected with WRN-related conditions. Experimental studies and prediction algorithms are not available or were not evaluated, and the functional significance of this variant is currently unknown. In summary, the available evidence is currently insufficient to determine the role of this variant in disease. Therefore, it has been classified as a Variant of Uncertain Significance.